The following is an entry in ClinVar:

NM_001558.4(IL10RA):c.670A>T (p.Ile224Phe)

Gene: IL10RA (interleukin 10 receptor subunit alpha; plus strand). Cytogenetic location: 11q23.3.
Variant type: single nucleotide variant.
Coding change: c.670A>T on transcript NM_001558.4 (MANE Select); coding-DNA position 670, A replaced by T.
Protein change: p.Ile224Phe; replaces isoleucine 224 with phenylalanine.
Molecular consequence: missense variant. On other transcripts: non-coding transcript variant (1).
Genome position (GRCh38, 1-based): chr11:117,994,131, A>T. VCF-style: chr11-117994131-A-T. GRCh37 (hg19) VCF-style: chr11-117864846-A-T.
Other names: short protein forms I224F.
Identifiers: ClinVar variation 1002690 (VCV001002690.4), dbSNP rs2228055, ClinGen allele CA382776022.

ClinVar aggregate classification (germline): Uncertain significance (1 of 4 stars; one submission).

Conditions:
Inflammatory bowel disease 28. Also called: Inflammatory bowel disease 28, early onset, autosomal recessive. Identifiers: Orphanet 238569, MedGen C2751053, MONDO:0013153, OMIM 613148.

gnomAD v4.1: 3 of 1,613,968 alleles (0.00019%); highest among the groups gnomAD compares: Middle Eastern, 0.017%; no homozygotes.

Submission:

Labcorp Genetics (formerly Invitae), Labcorp
Classification: Uncertain significance for Inflammatory bowel disease 28. Last evaluated: 2021-10-14. Review status: criteria provided, single submitter. Criteria: Invitae Variant Classification Sherloc (09022015). Collection method: clinical testing. Allele origin: germline.
Comment: In summary, the available evidence is currently insufficient to determine the role of this variant in disease. Therefore, it has been classified as a Variant of Uncertain Significance. Algorithms developed to predict the effect of missense changes on protein structure and function are either unavailable or do not agree on the potential impact of this missense change (SIFT: "Deleterious"; PolyPhen-2: "Benign"; Align-GVGD: "Class C0"). This variant has not been reported in the literature in individuals affected with IL10RA-related conditions. This variant is not present in population databases (ExAC no frequency). This sequence change replaces isoleucine with phenylalanine at codon 224 of the IL10RA protein (p.Ile224Phe). The isoleucine residue is weakly conserved and there is a small physicochemical difference between isoleucine and phenylalanine.